The following is an entry in ClinVar:

NM_002617.4(PEX10):c.618del (p.Gly208fs)

Gene: PEX10 (peroxisomal biogenesis factor 10; minus strand). Cytogenetic location: 1p36.32.
Variant type: Deletion.
Coding change: c.618del on transcript NM_002617.4 (MANE Select); coding-DNA position 618, one base deleted (G; older notation c.618delG).
Protein change: p.Gly208fs; shifts the reading frame from glycine 208.
Molecular consequence: frameshift variant. On other transcripts: non-coding transcript variant (1).
Genome position (GRCh38, 1-based): chr1:2,406,878, C deleted on the plus strand (G on the coding strand, the reverse complement: PEX10 is on the minus strand). VCF-style (leftmost placement, unchanged base first): chr1-2406877-GC-G. GRCh37 (hg19) VCF-style: chr1-2338316-GC-G.
Other names: c.675del, p.Gly227fs (NM_001374425.1); c.243del, p.Gly83fs (NM_001374426.1); c.186del, p.Gly64fs (NM_001374427.1); c.678del, p.Gly228fs (NM_153818.2); short protein forms G208fs, G227fs, G228fs, G64fs, G83fs.
Identifiers: ClinVar variation 1724319 (VCV001724319.3), dbSNP rs2522260956, ClinGen allele CA2580062496.

ClinVar aggregate classification (germline): Likely pathogenic (1 of 4 stars; one submission).

Conditions:
Peroxisome biogenesis disorder. Identifiers: Orphanet 79189, MedGen C1832200, MONDO:0019234. Disease mechanism: loss of function.

Submission:

Myriad Genetics, Inc.
Classification: Likely pathogenic for Peroxisome biogenesis disorder. Last evaluated: 2022-02-05. Review status: criteria provided, single submitter. Criteria: Myriad Autosomal Dominant, Autosomal Recessive and X-Linked Classification Criteria (2023). Collection method: clinical testing. Allele origin: unknown.
Comment: NM_153818.1(PEX10):c.678delG(G228Efs*4) is expected to be pathogenic in the context of peroxisome biogenesis disorder type 6. This variant is predicted to lead to an abnormal or absent protein product due to the creation of a premature termination codon in PEX10, a gene where loss-of-function variants are known to be pathogenic. Please note: this variant was assessed in the context of healthy population screening.